The following is an entry in ClinVar:

NM_005120.3(MED12):c.4225A>G (p.Ser1409Gly)

Gene: MED12 (mediator complex subunit 12; plus strand). Cytogenetic location: Xq13.1.
Variant type: single nucleotide variant.
Coding change: c.4225A>G on transcript NM_005120.3 (MANE Select); coding-DNA position 4225, A replaced by G.
Protein change: p.Ser1409Gly; replaces serine 1409 with glycine.
Molecular consequence: missense variant.
Genome position (GRCh38, 1-based): chrX:71,132,178, A>G. VCF-style: chrX-71132178-A-G. GRCh37 (hg19) VCF-style: chrX-70352028-A-G.
Other names: short protein forms S1409G.
Identifiers: ClinVar variation 1306538 (VCV001306538.3), dbSNP rs2092319198, ClinGen allele CA413525919.

ClinVar aggregate classification (germline): Uncertain significance (1 of 4 stars; one submission).

Allele frequency attached by ClinVar (database versions not stated): gnomAD exomes below 0.00001; TOPMed below 0.00001.
gnomAD v4.1: 2 of 1,211,246 alleles (0.00017%); highest among the groups gnomAD compares: Non-Finnish European, 0.00011%; no homozygotes.

Submission:

GeneDx
Classification: Uncertain significance. Last evaluated: 2026-09-21. Review status: criteria provided, single submitter. Criteria: GeneDx Variant Classification Process June 2021. Collection method: clinical testing. Allele origin: germline.
Comment: Not observed at significant frequency in large population cohorts (gnomAD); In silico analysis suggests that this missense variant does not alter protein structure/function; Has not been previously published as pathogenic or benign to our knowledge; This variant is associated with the following publications: (PMID: 35691725)